The following is an entry in ClinVar:

NM_000824.5(GLRB):c.1004C>T (p.Ala335Val)

Gene: GLRB (glycine receptor beta; plus strand). Cytogenetic location: 4q32.1.
Variant type: single nucleotide variant.
Coding change: c.1004C>T on transcript NM_000824.5 (MANE Select); coding-DNA position 1004, C replaced by T.
Protein change: p.Ala335Val; replaces alanine 335 with valine.
Molecular consequence: missense variant. On other transcripts: intron variant (1).
Genome position (GRCh38, 1-based): chr4:157,152,817, C>T. VCF-style: chr4-157152817-C-T. GRCh37 (hg19) VCF-style: chr4-158073969-C-T.
Other names: c.1004C>T, p.Ala335Val (NM_001166060.2); c.904+8858C>T (NM_001166061.2); short protein forms A335V.
Identifiers: ClinVar variation 1414657 (VCV001414657.6), dbSNP rs2126602597, ClinGen allele CA358644412.
Genomic context (GRCh38, chr4:157,152,817, plus strand): 5'-CCCTTGCCGCTGAGCTTCCCAAAGTTTCCTATGTGAAGGCTCTTGATGTTTGGCTTATTG[C>T]TTGCCTTCTCTTTGGGTTTGCTTCCCTGGTGGAGTATGCAGTTGTCCAGGTGATGCTGAA-3'
Protein context (NP_000815.1, residues 325-345): YVKALDVWLI[Ala335Val]CLLFGFASLV

ClinVar aggregate classification (germline): Uncertain significance (1 of 4 stars; one submission).

Conditions:
Hyperekplexia 2 (HKPX2). Identifiers: Orphanet 3197, MedGen C3553291, MONDO:0013828, OMIM 614619.

Submission:

Labcorp Genetics (formerly Invitae), Labcorp
Classification: Uncertain significance for Hyperekplexia 2. Last evaluated: 2021-10-20. Review status: criteria provided, single submitter. Criteria: Invitae Variant Classification Sherloc (09022015). Collection method: clinical testing. Allele origin: germline.
Comment: In summary, the available evidence is currently insufficient to determine the role of this variant in disease. Therefore, it has been classified as a Variant of Uncertain Significance. Advanced modeling of protein sequence and biophysical properties (such as structural, functional, and spatial information, amino acid conservation, physicochemical variation, residue mobility, and thermodynamic stability) performed at Invitae indicates that this missense variant is not expected to disrupt GLRB protein function. This variant has not been reported in the literature in individuals affected with GLRB-related conditions. This variant is not present in population databases (ExAC no frequency). This sequence change replaces alanine with valine at codon 335 of the GLRB protein (p.Ala335Val). The alanine residue is highly conserved and there is a small physicochemical difference between alanine and valine.